The following is an entry in ClinVar:

ClinVar aggregate classification (germline): Pathogenic (1 of 4 stars; one submission).

Submission:

CeGaT Center for Human Genetics Tuebingen
Classification: Pathogenic. Last evaluated: 2023-03-01. Review status: criteria provided, single submitter. Criteria: CeGaT Center For Human Genetics Tuebingen Variant Classification Criteria Version 2. Collection method: clinical testing. Allele origin: germline. Affected: yes. Observed: 1 variant allele.
Comment: GATA3: PVS1, PM2

NM_001002295.2(GATA3):c.647_681dup (p.Glu228fs)

Gene: GATA3 (GATA binding protein 3; plus strand). Cytogenetic location: 10p14.
Variant type: Duplication.
Coding change: c.647_681dup on transcript NM_001002295.2 (MANE Select); coding-DNA positions 647 to 681, 35 bases duplicated.
Protein change: p.Glu228fs; shifts the reading frame from glutamic acid 228.
Molecular consequence: frameshift variant.
Genome position (GRCh38, 1-based): chr10:8,058,710-8,058,744, 35 bases duplicated; duplicating any 35 consecutive bases within chr10:8,058,707-8,058,744 gives the same sequence; the c. name uses the placement nearest the transcript's 3' end. GRCh37 (hg19): chr10:8,100,673-8,100,707.
Other names: c.647_681dup, p.Glu228fs (NM_002051.3); short protein forms E228fs.
Identifiers: ClinVar variation 2498458 (VCV002498458.28), dbSNP rs2491464855, ClinGen allele CA2580081317.
Genomic context (GRCh38, chr10:8,058,706, plus strand): 5'-AAGCTGGAGTCGTCCCACTCCCGTGGCAGCATGACCGCCCTGGGTGGAGCCTCCTCGTCG[A>ACCCACCACCCCATCACCACCTACCCGCCCTACGTG]CCCACCACCCCATCACCACCTACCCGCCCTACGTGCCCGAGTACAGCTCCGGACTCTTCC-3'